The following is an entry in ClinVar:

ClinVar aggregate classification (germline): Uncertain significance (1 of 4 stars; one submission).

Conditions:
Leukodystrophy, hypomyelinating, 2. Also called: PELIZAEUS-MERZBACHER-LIKE DISEASE, 1. Identifiers: Orphanet 280270, Orphanet 280282, MedGen C1837355, MONDO:0012125, OMIM 608804.

Allele frequency attached by ClinVar (database versions not stated): gnomAD exomes below 0.00001.
gnomAD v4.1: 1 of 1,613,006 alleles (0.000062%); highest among the groups gnomAD compares: East Asian, 0.0022%; no homozygotes.

Submission:

Broad Center for Mendelian Genomics, Broad Institute of MIT and Harvard
Classification: Uncertain significance for Leukodystrophy, hypomyelinating, 2. Last evaluated: 2018-11-15. Review status: criteria provided, single submitter. Criteria: ACMG Guidelines, 2015. Collection method: research. Allele origin: germline. Inheritance: Autosomal recessive inheritance. Affected: yes.
Comment: This variant was absent from large population studies. Computational prediction tools and conservation analyses suggest that this variant may impact the protein, though this information is not predictive enough to determine pathogenicity. In summary, the clinical significance of the p.Cys256Trp variant is uncertain.

NM_020435.4(GJC2):c.768C>G (p.Cys256Trp)

Gene: GJC2 (gap junction protein gamma 2; plus strand). Cytogenetic location: 1q42.13.
Variant type: single nucleotide variant.
Coding change: c.768C>G on transcript NM_020435.4 (MANE Select); coding-DNA position 768, C replaced by G.
Protein change: p.Cys256Trp; replaces cysteine 256 with tryptophan.
Molecular consequence: missense variant.
Genome position (GRCh38, 1-based): chr1:228,158,526, C>G. VCF-style: chr1-228158526-C-G. GRCh37 (hg19) VCF-style: chr1-228346227-C-G.
Other names: short protein forms C256W.
Identifiers: ClinVar variation 800511 (VCV000800511.1), dbSNP rs1571908096, ClinGen allele CA345099387.